The following is an entry in ClinVar:

NM_005917.4(MDH1):c.505C>T (p.Leu169Phe)

Genes: MDH1 (malate dehydrogenase 1; plus strand), WDPCP (WD repeat containing planar cell polarity effector; minus strand). Cytogenetic location: 2p15.
Variant type: single nucleotide variant.
Coding change: c.505C>T on transcript NM_005917.4 (MANE Select); coding-DNA position 505, C replaced by T.
Protein change: p.Leu169Phe; replaces leucine 169 with phenylalanine.
Molecular consequence: missense variant.
Genome position (GRCh38, 1-based): chr2:63,604,702, C>T. VCF-style: chr2-63604702-C-T. GRCh37 (hg19) VCF-style: chr2-63831836-C-T.
Other names: c.559C>T, p.Leu187Phe (NM_001199111.2); c.238C>T, p.Leu80Phe (NM_001199112.2); c.505C>T, p.Leu169Phe (NM_001316374.2); short protein forms L187F, L169F, L80F.
Identifiers: ClinVar variation 4052878 (VCV004052878.2).

ClinVar aggregate classification (germline): Uncertain significance. Review status: criteria provided, multiple submitters, no conflicts (2 of 4 stars). 2 submissions from 2 submitters: Uncertain significance (2). Last evaluated 2026-09-01.

gnomAD v4.1: 18 of 1,612,916 alleles (0.0011%); highest among the groups gnomAD compares: Non-Finnish European, 0.0015%; no homozygotes.

Submissions (2):

CeGaT Center for Human Genetics Tuebingen
Classification: Uncertain significance. Last evaluated: 2026-09-01. Review status: criteria provided, single submitter. Criteria: CeGaT Center For Human Genetics Tuebingen Variant Classification Criteria Version 2. Collection method: clinical testing. Allele origin: germline. Affected: yes. Observed: 1 variant allele.
Comment: MDH1: PM2

Ambry Genetics
Classification: Uncertain significance. Last evaluated: 2025-04-03. Review status: criteria provided, single submitter. Criteria: Ambry Variant Classification Scheme 2023. Collection method: clinical testing. Allele origin: germline.